The following is an entry in ClinVar:

ClinVar aggregate classification (germline): Uncertain significance (1 of 4 stars; one submission).

gnomAD v4.1: 1 of 1,544,532 alleles (0.000065%); highest among the groups gnomAD compares: Non-Finnish European, 0.00009%; no homozygotes.

Submission:

Labcorp Genetics (formerly Invitae), Labcorp
Classification: Uncertain significance. Last evaluated: 2024-04-03. Review status: criteria provided, single submitter. Criteria: Invitae Variant Classification Sherloc (09022015). Collection method: clinical testing. Allele origin: germline.
Comment: This sequence change replaces tyrosine, which is neutral and polar, with phenylalanine, which is neutral and non-polar, at codon 855 of the HPS3 protein (p.Tyr855Phe). This variant is present in population databases (no rsID available, gnomAD 0.007%). This variant has not been reported in the literature in individuals affected with HPS3-related conditions. Advanced modeling of protein sequence and biophysical properties (such as structural, functional, and spatial information, amino acid conservation, physicochemical variation, residue mobility, and thermodynamic stability) performed at Invitae indicates that this missense variant is expected to disrupt HPS3 protein function with a positive predictive value of 80%. In summary, the available evidence is currently insufficient to determine the role of this variant in disease. Therefore, it has been classified as a Variant of Uncertain Significance.

NM_032383.5(HPS3):c.2564A>T (p.Tyr855Phe)

Genes: CP (ceruloplasmin; minus strand), HPS3 (HPS3 biogenesis of lysosomal organelles complex 2 subunit 1; plus strand). Cytogenetic location: 3q24.
Variant type: single nucleotide variant.
Coding change: c.2564A>T on transcript NM_032383.5 (MANE Select); coding-DNA position 2564, A replaced by T.
Protein change: p.Tyr855Phe; replaces tyrosine 855 with phenylalanine.
Molecular consequence: missense variant.
Genome position (GRCh38, 1-based): chr3:149,163,924, A>T. VCF-style: chr3-149163924-A-T. GRCh37 (hg19) VCF-style: chr3-148881711-A-T.
Other names: c.2069A>T, p.Tyr690Phe (NM_001308258.2); short protein forms Y855F, Y690F.
Identifiers: ClinVar variation 3648482 (VCV003648482.2).